The following is an entry in ClinVar:

NM_001199753.2(CPT1C):c.855C>T (p.Arg285=)

Gene: CPT1C (carnitine palmitoyltransferase 1C; plus strand). Cytogenetic location: 19q13.33.
Variant type: single nucleotide variant.
Coding change: c.855C>T on transcript NM_001199753.2 (MANE Select); coding-DNA position 855, C replaced by T.
Protein change: p.Arg285=; no amino-acid change (arginine 285 retained).
Molecular consequence: synonymous variant. On other transcripts: non-coding transcript variant (1).
Genome position (GRCh38, 1-based): chr19:49,705,090, C>T. VCF-style: chr19-49705090-C-T. GRCh37 (hg19) VCF-style: chr19-50208347-C-T.
Other names: p.Arg274=; c.822C>T, p.Arg274= (NM_001136052.3, NM_001378482.1, NM_001378485.1 and 1 more transcripts); c.855C>T, p.Arg285= (NM_001199752.3, NM_001378483.1, NM_001378484.1 and 3 more transcripts); c.822C>T (NM_001136052.2).
Identifiers: ClinVar variation 444480 (VCV000444480.51), dbSNP rs140099471, ClinGen allele CA9581980.

ClinVar aggregate classification (germline): Conflicting classifications of pathogenicity. Review status: criteria provided, conflicting classifications (1 of 4 stars). 3 submissions from 3 submitters: Uncertain significance (1); Benign (1); Likely benign (1). Last evaluated 2025-06-23.

Conditions:
Hereditary spastic paraplegia 73. Also called: Spastic paraplegia 73, autosomal dominant. Identifiers: Orphanet 444099, MedGen C5568981, MONDO:0014568, OMIM 616282.

Allele frequency attached by ClinVar (database versions not stated): gnomAD exomes 0.00015 and 0.00031; gnomAD 0.00018 and 0.00021; ExAC 0.00023; TOPMed 0.00024; ESP Exome Variant Server 0.00031.
gnomAD v4.1: 277 of 1,613,916 alleles (0.017%); highest among the groups gnomAD compares: Middle Eastern, 0.066%; 1 homozygote.

Submissions (3):

Labcorp Genetics (formerly Invitae), Labcorp
Classification: Benign for Hereditary spastic paraplegia 73. Last evaluated: 2025-06-23. Review status: criteria provided, single submitter. Criteria: Invitae Variant Classification Sherloc (09022015). Collection method: clinical testing. Allele origin: germline.

Mayo Clinic Laboratories, Mayo Clinic
Classification: Likely benign. Last evaluated: 2025-06-17. Review status: criteria provided, single submitter. Criteria: ACMG Guidelines, 2015. Collection method: clinical testing. Allele origin: germline. Observed: 1 variant allele.
Comment: BS1, BP4, BP7

CeGaT Center for Human Genetics Tuebingen
Classification: Uncertain significance. Last evaluated: 2017-03-01. Review status: criteria provided, single submitter. Criteria: CeGaT Center For Human Genetics Tuebingen Variant Classification Criteria Version 2. Collection method: clinical testing. Allele origin: germline. Affected: yes. Observed: 1 variant allele.